The following is an entry in ClinVar:

ClinVar aggregate classification (germline): Likely benign (1 of 4 stars; one submission).

Allele frequency attached by ClinVar (database versions not stated): 1000 Genomes Project 0.00439; 1000 Genomes Project 30x 0.00468; gnomAD 0.00495 and 0.00534; TOPMed 0.00585.
gnomAD v4.1: 1,294 of 1,158,746 alleles (0.11%); highest among the groups gnomAD compares: African/African-American, 1.6%; 12 homozygotes.

Submission:

GeneDx
Classification: Likely benign. Last evaluated: 2018-06-14. Review status: criteria provided, single submitter. Criteria: GeneDx Variant Classification (06012015). Collection method: clinical testing. Allele origin: germline. Affected: yes.
Comment: This variant is considered likely benign or benign based on one or more of the following criteria: it is a conservative change, it occurs at a poorly conserved position in the protein, it is predicted to be benign by multiple in silico algorithms, and/or has population frequency not consistent with disease.

NM_001267550.2(TTN):c.44282-150G>A

Gene: TTN (titin; minus strand). Cytogenetic location: 2q31.2.
Variant type: single nucleotide variant.
Coding change: c.44282-150G>A on transcript NM_001267550.2 (MANE Select); 150 bases into the intron before coding-DNA position 44282, G replaced by A.
Molecular consequence: intron variant.
Genome position (GRCh38, 1-based): chr2:178,629,593, C>T on the plus strand (G>A on the coding strand, the complement: TTN is on the minus strand). VCF-style: chr2-178629593-C-T. GRCh37 (hg19) VCF-style: chr2-179494320-C-T.
Other names: c.17087-150G>A (NM_003319.4); c.17663-150G>A (NM_133437.4); c.17462-150G>A (NM_133432.3); c.36578-150G>A (NM_133378.4); c.39359-150G>A (NM_001256850.1).
Identifiers: ClinVar variation 675644 (VCV000675644.1), dbSNP rs146729020, ClinGen allele CA61000577.